The following is an entry in ClinVar:

NM_000235.4(LIPA):c.194G>A (p.Arg65Gln)

Gene: LIPA (lipase A, lysosomal acid type; minus strand). Cytogenetic location: 10q23.31.
Variant type: single nucleotide variant.
Coding change: c.194G>A on transcript NM_000235.4 (MANE Select); coding-DNA position 194, G replaced by A.
Protein change: p.Arg65Gln; replaces arginine 65 with glutamine.
Molecular consequence: missense variant. On other transcripts: intron variant (1).
Genome position (GRCh38, 1-based): chr10:89,245,711, C>T on the plus strand (G>A on the coding strand, the complement: LIPA is on the minus strand). VCF-style: chr10-89245711-C-T. GRCh37 (hg19) VCF-style: chr10-91005468-C-T.
Other names: c.194G>A, p.Arg65Gln (NM_001127605.3); c.-120+6026G>A (NM_001288979.2); short protein forms R65Q.
Identifiers: ClinVar variation 1783199 (VCV001783199.3), dbSNP rs1484023138, ClinGen allele CA377518250.
Genomic context (GRCh38, chr10:89,245,711, plus strand): 5'-TTTACTTTTAAGAGCCTTCCCATACCTTTGTCAGAATGGTTCTTCCTCCCATGAGGAATT[C>T]GGTTAAGGCACAGAATATATCCATCTTCTGTCTCAACTAGGTATTCCTCACTAGGGAATC-3'
Protein context (NP_000226.2, residues 55-75): TEDGYILCLN[Arg65Gln]IPHGRKNHSD

ClinVar aggregate classification (germline): Uncertain significance (1 of 4 stars; one submission).

Conditions:
Cardiovascular phenotype. Identifiers: MedGen CN230736.

Allele frequency attached by ClinVar (database versions not stated): gnomAD exomes below 0.00001; TOPMed below 0.00001; gnomAD 0.00003.
gnomAD v4.1: 8 of 1,600,724 alleles (0.0005%); highest among the groups gnomAD compares: African/African-American, 0.0067%; no homozygotes.

Submission:

Ambry Genetics
Classification: Uncertain significance for Cardiovascular phenotype. Last evaluated: 2024-11-30. Review status: criteria provided, single submitter. Criteria: Ambry Variant Classification Scheme 2023. Collection method: clinical testing. Allele origin: germline.
Comment: The p.R65Q variant (also known as c.194G>A), located in coding exon 2 of the LIPA gene, results from a G to A substitution at nucleotide position 194. The arginine at codon 65 is replaced by glutamine, an amino acid with highly similar properties. This amino acid position is conserved. In addition, this alteration is predicted to be deleterious by in silico analysis. Since supporting evidence is limited at this time, the clinical significance of this alteration remains unclear.